The following is an entry in ClinVar:

NM_001321967.2(ATAD1):c.770T>G (p.Ile257Ser)

Gene: ATAD1 (ATPase family AAA domain containing 1; minus strand). Cytogenetic location: 10q23.31.
Variant type: single nucleotide variant.
Coding change: c.770T>G on transcript NM_001321967.2 (MANE Select); coding-DNA position 770, T replaced by G.
Protein change: p.Ile257Ser; replaces isoleucine 257 with serine.
Molecular consequence: missense variant. On other transcripts: non-coding transcript variant (1), intron variant (1).
Genome position (GRCh38, 1-based): chr10:87,770,962, A>C on the plus strand (T>G on the coding strand, the complement: ATAD1 is on the minus strand). VCF-style: chr10-87770962-A-C. GRCh37 (hg19) VCF-style: chr10-89530719-A-C.
Other names: c.413T>G, p.Ile138Ser (NM_001321969.2); c.770T>G, p.Ile257Ser (NM_032810.4); c.691-3239T>G (NM_001321968.2); short protein forms I257S, I138S.
Identifiers: ClinVar variation 1345074 (VCV001345074.6), dbSNP rs1855002590, ClinGen allele CA377488932.

ClinVar aggregate classification (germline): Uncertain significance (1 of 4 stars; one submission).

Allele frequency attached by ClinVar (database versions not stated): gnomAD 0.00001.
gnomAD v4.1: 1 of 1,613,172 alleles (0.000062%); highest among the groups gnomAD compares: Admixed American, 0.0017%; no homozygotes.

Submission:

Labcorp Genetics (formerly Invitae), Labcorp
Classification: Uncertain significance. Last evaluated: 2021-04-13. Review status: criteria provided, single submitter. Criteria: Invitae Variant Classification Sherloc (09022015). Collection method: clinical testing. Allele origin: germline.
Comment: This sequence change replaces isoleucine with serine at codon 257 of the ATAD1 protein (p.Ile257Ser). The isoleucine residue is moderately conserved and there is a large physicochemical difference between isoleucine and serine. This variant is not present in population databases (ExAC no frequency). This variant has not been reported in the literature in individuals with ATAD1-related conditions. Algorithms developed to predict the effect of missense changes on protein structure and function are either unavailable or do not agree on the potential impact of this missense change (SIFT: "Not Available"; PolyPhen-2: "Probably Damaging"; Align-GVGD: "Not Available"). In summary, the available evidence is currently insufficient to determine the role of this variant in disease. Therefore, it has been classified as a Variant of Uncertain Significance.